The following is an entry in ClinVar:

NM_001040108.2(MLH3):c.4342C>G (p.Pro1448Ala)

Gene: MLH3 (mutL homolog 3; minus strand). Cytogenetic location: 14q24.3.
Variant type: single nucleotide variant.
Coding change: c.4342C>G on transcript NM_001040108.2 (MANE Select); coding-DNA position 4342, C replaced by G.
Protein change: p.Pro1448Ala; replaces proline 1448 with alanine.
Molecular consequence: missense variant.
Genome position (GRCh38, 1-based): chr14:75,017,102, G>C on the plus strand (C>G on the coding strand, the complement: MLH3 is on the minus strand). VCF-style: chr14-75017102-G-C. GRCh37 (hg19) VCF-style: chr14-75483805-G-C.
Other names: c.4270C>G, p.Pro1424Ala (NM_014381.3); short protein forms P1424A, P1448A.
Identifiers: ClinVar variation 1739868 (VCV001739868.3), dbSNP rs1184173977, ClinGen allele CA390417541.
Genomic context (GRCh38, chr14:75,017,102, plus strand): 5'-TGAACATCCCTTTGTTCCTTTTAGACCAGTGATTCTGTTCTCATGGTGGCTCACAGGGAG[G>C]CATGGATTGCTGCAGGCTCTGCCTTGTATCACACTCTGCTTTTCCAAAGAGACGCCAGGC-3'
Protein context (NP_001035197.1, residues 1438-1453): DTRQSLQQSM[Pro1448Ala]PCEPP

ClinVar aggregate classification (germline): Uncertain significance (1 of 4 stars; one submission).

Allele frequency attached by ClinVar (database versions not stated): TOPMed below 0.00001; gnomAD 0.00001.
gnomAD v4.1: 4 of 1,613,384 alleles (0.00025%); highest among the groups gnomAD compares: African/African-American, 0.0054%; no homozygotes.

Submission:

Ambry Genetics
Classification: Uncertain significance. Last evaluated: 2025-03-22. Review status: criteria provided, single submitter. Criteria: Ambry Variant Classification Scheme 2023. Collection method: clinical testing. Allele origin: germline.
Comment: The p.P1448A variant (also known as c.4342C>G), located in coding exon 12 of the MLH3 gene, results from a C to G substitution at nucleotide position 4342. The proline at codon 1448 is replaced by alanine, an amino acid with highly similar properties. This amino acid position is conserved. In addition, this alteration is predicted to be tolerated by in silico analysis. Since supporting evidence is limited at this time, the clinical significance of this alteration remains unclear.